The following is an entry in ClinVar:

NM_000038.6(APC):c.1612_1619del (p.Glu538fs)

Gene: APC (APC regulator of Wnt signaling pathway; plus strand). Cytogenetic location: 5q22.2.
Variant type: Deletion.
Coding change: c.1612_1619del on transcript NM_000038.6 (MANE Select); coding-DNA positions 1612 to 1619, 8 bases deleted (GAAGACTT; older notation c.1612_1619delGAAGACTT).
Protein change: p.Glu538fs; shifts the reading frame from glutamic acid 538.
Molecular consequence: frameshift variant.
Genome position (GRCh38, 1-based): chr5:112,827,992-112,827,999, GAAGACTT deleted; deleting any 8 consecutive bases within chr5:112,827,991-112,827,999 gives the same sequence; the c. name uses the placement nearest the transcript's 3' end. VCF-style (leftmost placement, unchanged base first): chr5-112827990-GTGAAGACT-G. GRCh37 (hg19) VCF-style: chr5-112163687-GTGAAGACT-G.
Other names: c.1612_1619delGAAGACTT (NM_000038.5); c.1612_1619del, p.Glu538fs (NM_001127510.3, NM_001354895.2); c.1558_1565del, p.Glu520fs (NM_001127511.3); c.1666_1673del, p.Glu556fs (NM_001354896.2); c.1642_1649del, p.Glu548fs (NM_001354897.2); c.1537_1544del, p.Glu513fs (NM_001354898.2); c.1528_1535del, p.Glu510fs (NM_001354899.2); c.1489_1496del, p.Glu497fs (NM_001354900.2); and 6 more; short protein forms E255fs, E479fs, E510fs, E556fs, E378fs, E437fs, E447fs, E497fs.
Identifiers: ClinVar variation 1387965 (VCV001387965.7), dbSNP rs2149813938, ClinGen allele CA2573138848.

ClinVar aggregate classification (germline): Pathogenic. Review status: criteria provided, multiple submitters, no conflicts (2 of 4 stars). 2 submissions from 2 submitters: Pathogenic (2). Last evaluated 2025-02-12.

Conditions:
Hereditary cancer-predisposing syndrome. Also called: Neoplastic Syndromes, Hereditary; Tumor predisposition; Hereditary neoplastic syndrome; Hereditary Cancer Syndrome. Identifiers: Orphanet 140162, MedGen C0027672, MeSH D009386, MONDO:0015356.
Familial adenomatous polyposis 1 (FAP1). Also called: FAMILIAL ADENOMATOUS POLYPOSIS 1, ATTENUATED; POLYPOSIS, ADENOMATOUS INTESTINAL. Identifiers: MedGen C2713442, MONDO:0021056, OMIM 175100. Disease mechanism: loss of function.

Submissions (2):

Ambry Genetics
Classification: Pathogenic for Hereditary cancer-predisposing syndrome. Last evaluated: 2025-02-12. Review status: criteria provided, single submitter. Criteria: Ambry Variant Classification Scheme 2023. Collection method: clinical testing. Allele origin: germline.
Comment: The c.1612_1619delGAAGACTT pathogenic mutation, located in coding exon 12 of the APC gene, results from a deletion of 8 nucleotides at nucleotide positions 1612 to 1619, causing a translational frameshift with a predicted alternate stop codon (p.E538Tfs*19). This variant is considered to be rare based on population cohorts in the Genome Aggregation Database (gnomAD). This alteration is expected to result in loss of function by premature protein truncation or nonsense-mediated mRNA decay. As such, this alteration is interpreted as a disease-causing mutation.

Labcorp Genetics (formerly Invitae), Labcorp
Classification: Pathogenic for Familial adenomatous polyposis 1. Last evaluated: 2021-10-02. Review status: criteria provided, single submitter. Criteria: Invitae Variant Classification Sherloc (09022015). Collection method: clinical testing. Allele origin: germline.
Comment: This sequence change creates a premature translational stop signal (p.Glu538Thrfs*19) in the APC gene. It is expected to result in an absent or disrupted protein product. Loss-of-function variants in APC are known to be pathogenic (PMID: 17963004, 20685668). This variant is not present in population databases (ExAC no frequency). This variant has not been reported in the literature in individuals affected with APC-related conditions. For these reasons, this variant has been classified as Pathogenic.

Literature cited by the submitters: PubMed 17963004 (cited by Labcorp Genetics (formerly Invitae), Labcorp); PubMed 20685668 (cited by Labcorp Genetics (formerly Invitae), Labcorp).